The following is an entry in ClinVar:

NM_001613.4(ACTA2):c.815A>G (p.Glu272Gly)

Genes: ACTA2-AS1 (ACTA2 antisense RNA 1; plus strand), ACTA2 (actin alpha 2, smooth muscle; minus strand). Cytogenetic location: 10q23.31.
Variant type: single nucleotide variant.
Coding change: c.815A>G on transcript NM_001613.4 (MANE Select); coding-DNA position 815, A replaced by G.
Protein change: p.Glu272Gly; replaces glutamic acid 272 with glycine.
Molecular consequence: missense variant. On other transcripts: non-coding transcript variant (1).
Genome position (GRCh38, 1-based): chr10:88,938,236, T>C on the plus strand (A>G on the coding strand, the complement: ACTA2 is on the minus strand). VCF-style: chr10-88938236-T-C. GRCh37 (hg19) VCF-style: chr10-90697993-T-C.
Other names: c.815A>G, p.Glu272Gly (NM_001141945.3, NM_001320855.2, NM_001406462.1 and 2 more transcripts); c.704A>G, p.Glu235Gly (NM_001406466.1); c.686A>G, p.Glu229Gly (NM_001406467.1, NM_001406468.1, NM_001406469.1); c.623A>G, p.Glu208Gly (NM_001406471.1); short protein forms E272G, E208G, E229G, E235G.
Identifiers: ClinVar variation 519579 (VCV000519579.9), dbSNP rs1554840992, ClinGen allele CA377511035.
Genomic context (GRCh38, chr10:88,938,236, plus strand): 5'-CTGATGTCAATATCACACTTCATGATGCTGTTGTAGGTGGTTTCATGGATGCCAGCAGAC[T>C]CCATCCCTGGAAAAGAGACACAGGCCATGGTCCTTAAGTGGAGAGTAAAACCCAGGCTAG-3'
Protein context (NP_001604.1, residues 262-282): TLFQPSFIGM[Glu272Gly]SAGIHETTYN

ClinVar aggregate classification (germline): Uncertain significance. Review status: criteria provided, multiple submitters, no conflicts (2 of 4 stars). 2 submissions from 2 submitters: Uncertain significance (2). Last evaluated 2018-09-01.

Conditions:
Isolated thoracic aortic aneurysm.
Familial thoracic aortic aneurysm and aortic dissection (TAAD). Also called: Thoracic aortic aneurysms and dissections. Identifiers: Orphanet 91387, MedGen C4707243, MONDO:0019625.

Submissions (2):

Department of Vascular Biology, Beijing Anzhen Hospital
Classification: Uncertain significance for Isolated thoracic aortic aneurysm. Last evaluated: 2018-09-01. Review status: criteria provided, single submitter. Criteria: ACMG Guidelines, 2015. Collection method: research. Allele origin: germline. Affected: yes.

Ambry Genetics
Classification: Uncertain significance for Familial thoracic aortic aneurysm and aortic dissection. Last evaluated: 2016-12-01. Review status: criteria provided, single submitter. Criteria: Ambry Variant Classification Scheme 2023. Collection method: clinical testing. Allele origin: germline.
Comment: The p.E272G variant (also known as c.815A>G), located in coding exon 7 of the ACTA2 gene, results from an A to G substitution at nucleotide position 815. The glutamic acid at codon 272 is replaced by glycine, an amino acid with similar properties. This amino acid position is highly conserved in available vertebrate species. In addition, this alteration is predicted to be deleterious by in silico analysis. Since supporting evidence is limited at this time, the clinical significance of this alteration remains unclear.